The following is an entry in ClinVar:

ClinVar aggregate classification (germline): Uncertain significance (1 of 4 stars; one submission).

Conditions:
Hereditary cancer-predisposing syndrome. Also called: Hereditary Cancer Syndrome; Hereditary neoplastic syndrome; Neoplastic Syndromes, Hereditary; Tumor predisposition. Identifiers: Orphanet 140162, MedGen C0027672, MeSH D009386, MONDO:0015356.

Allele frequency attached by ClinVar (database versions not stated): gnomAD exomes below 0.00001; TOPMed below 0.00001; gnomAD 0.00001.
gnomAD v4.1: 3 of 985,910 alleles (0.0003%); highest among the groups gnomAD compares: East Asian, 0.0093%; no homozygotes.

Submission:

Ambry Genetics
Classification: Uncertain significance for Hereditary cancer-predisposing syndrome. Last evaluated: 2025-06-24. Review status: criteria provided, single submitter. Criteria: Ambry Variant Classification Scheme 2023. Collection method: clinical testing. Allele origin: germline.
Comment: The c.-5G>A variant is located in the 5' untranslated region (5&rsquo; UTR) of the PTCH1 gene. This variant results from a G to A substitution 5 bases upstream from the first translated codon. This nucleotide position is highly conserved in available vertebrate species. Based on the available evidence, the clinical significance of this variant remains unclear.

NM_000264.5(PTCH1):c.-5G>A

Genes: PTCH1 (patched 1; minus strand), LOC130002133 (ATAC-STARR-seq lymphoblastoid silent region 20071; plus strand). Cytogenetic location: 9q22.32.
Variant type: single nucleotide variant.
Coding change: c.-5G>A on transcript NM_000264.5 (MANE Select); 5 bases upstream of the start codon, G replaced by A.
Molecular consequence: 5 prime UTR variant. On other transcripts: non-coding transcript variant (1), intron variant (3).
Genome position (GRCh38, 1-based): chr9:95,508,366, C>T on the plus strand (G>A on the coding strand, the complement: PTCH1 is on the minus strand). VCF-style: chr9-95508366-C-T. GRCh37 (hg19) VCF-style: chr9-98270648-C-T.
Other names: c.-5G>A (NM_001354918.2); c.199-1767G>A (NM_001083603.3); c.4-1767G>A (NM_001083602.3, NM_001354919.2).
Identifiers: ClinVar variation 1751002 (VCV001751002.3), dbSNP rs1237120549, ClinGen allele CA868818133.